The following is an entry in ClinVar:

NM_001379500.1(COL18A1):c.107-11409C>A

Gene: COL18A1 (collagen type XVIII alpha 1 chain; plus strand). Cytogenetic location: 21q22.3.
Variant type: single nucleotide variant.
Coding change: c.107-11409C>A on transcript NM_001379500.1 (MANE Select); 11409 bases into the intron before coding-DNA position 107, C replaced by A.
Molecular consequence: intron variant. On other transcripts: missense variant (1).
Genome position (GRCh38, 1-based): chr21:45,456,833, C>A. VCF-style: chr21-45456833-C-A. GRCh37 (hg19) VCF-style: chr21-46876747-C-A.
Other names: c.1303C>A, p.Leu435Ile (NM_130444.3); c.646+657C>A (NM_030582.4); short protein forms L435I.
Identifiers: ClinVar variation 4990770 (VCV004990770.1).

ClinVar aggregate classification (germline): Uncertain significance (1 of 4 stars; one submission).

Conditions:
COL18A1-related disorder. Also called: COL18A1-related condition; COL18A1-related disorders.

gnomAD v4.1: 8 of 1,516,110 alleles (0.00053%); highest among the groups gnomAD compares: African/African-American, 0.011%; no homozygotes.

Submission:

PreventionGenetics, part of Exact Sciences
Classification: Uncertain significance for COL18A1-related condition. Last evaluated: 2025-03-18. Review status: criteria provided, single submitter. Criteria: ACMG Guidelines, 2015. Collection method: clinical testing. Allele origin: germline.
Comment: The COL18A1 c.1303C>A variant is predicted to result in the amino acid substitution p.Leu435Ile. To our knowledge, this variant has not been reported in the literature or in a large population database (gnomAD), indicating this variant is rare. At this time, the clinical significance of this variant is uncertain due to the absence of conclusive functional and genetic evidence.